The following is an entry in ClinVar:

NM_001082971.2(DDC):c.497G>A (p.Arg166Gln)

Gene: DDC (dopa decarboxylase; minus strand). Cytogenetic location: 7p12.1.
Variant type: single nucleotide variant.
Coding change: c.497G>A on transcript NM_001082971.2 (MANE Select); coding-DNA position 497, G replaced by A.
Protein change: p.Arg166Gln; replaces arginine 166 with glutamine.
Molecular consequence: missense variant. On other transcripts: intron variant (1).
Genome position (GRCh38, 1-based): chr7:50,529,281, C>T on the plus strand (G>A on the coding strand, the complement: DDC is on the minus strand). VCF-style: chr7-50529281-C-T. GRCh37 (hg19) VCF-style: chr7-50596979-C-T.
Other names: c.497G>A, p.Arg166Gln (NM_000790.4, NM_001242887.2, NM_001242890.2); c.383G>A, p.Arg128Gln (NM_001242886.2); c.263G>A, p.Arg88Gln (NM_001242888.2); c.435+8579G>A (NM_001242889.2); short protein forms R88Q, R128Q, R166Q.
Identifiers: ClinVar variation 1361933 (VCV001361933.8), dbSNP rs767557648, ClinGen allele CA4262352.

ClinVar aggregate classification (germline): Uncertain significance (1 of 4 stars; one submission).

Conditions:
Deficiency of aromatic-L-amino-acid decarboxylase. Also called: AADC DEFICIENCY; DDC DEFICIENCY; DOPA DECARBOXYLASE DEFICIENCY; Aromatic L-Amino Acid Decarboxylase Deficiency; Aromatic amino acid decarboxylase deficiency. Identifiers: Orphanet 35708, MedGen C1291564, MONDO:0012084, OMIM 608643.

gnomAD v4.1: 12 of 1,614,090 alleles (0.00074%); highest among the groups gnomAD compares: South Asian, 0.0033%; no homozygotes.

Submission:

Labcorp Genetics (formerly Invitae), Labcorp
Classification: Uncertain significance for Deficiency of aromatic-L-amino-acid decarboxylase. Last evaluated: 2022-08-23. Review status: criteria provided, single submitter. Criteria: Invitae Variant Classification Sherloc (09022015). Collection method: clinical testing. Allele origin: germline.
Comment: In summary, the available evidence is currently insufficient to determine the role of this variant in disease. Therefore, it has been classified as a Variant of Uncertain Significance. This sequence change replaces arginine, which is basic and polar, with glutamine, which is neutral and polar, at codon 166 of the DDC protein (p.Arg166Gln). This variant is present in population databases (rs767557648, gnomAD 0.01%). This variant has not been reported in the literature in individuals affected with DDC-related conditions. ClinVar contains an entry for this variant (Variation ID: 1361933). Algorithms developed to predict the effect of missense changes on protein structure and function output the following: SIFT: "Tolerated"; PolyPhen-2: "Benign"; Align-GVGD: "Class C0". The glutamine amino acid residue is found in multiple mammalian species, which suggests that this missense change does not adversely affect protein function.